The following is an entry in ClinVar:

NM_022489.4(INF2):c.1950-3C>A

Gene: INF2 (inverted formin 2; plus strand). Cytogenetic location: 14q32.33.
Variant type: single nucleotide variant.
Coding change: c.1950-3C>A on transcript NM_022489.4 (MANE Select); 3 bases into the intron before coding-DNA position 1950, C replaced by A.
Molecular consequence: intron variant.
Genome position (GRCh38, 1-based): chr14:104,709,278, C>A. VCF-style: chr14-104709278-C-A. GRCh37 (hg19) VCF-style: chr14-105175615-C-A.
Other names: c.1950-3C>A (NM_001031714.4).
Identifiers: ClinVar variation 581537 (VCV000581537.12), dbSNP rs777132952, ClinGen allele CA7372764.

ClinVar aggregate classification (germline): Uncertain significance. Review status: criteria provided, multiple submitters, no conflicts (2 of 4 stars). 4 submissions from 4 submitters: Uncertain significance (4). Last evaluated 2026-01-07.

Conditions:
Charcot-Marie-Tooth disease dominant intermediate E. Also called: CHARCOT-MARIE-TOOTH NEUROPATHY WITH FOCAL SEGMENTAL GLOMERULONEPHRITIS. Identifiers: Orphanet 93114, MedGen C4302667, MONDO:0013758, OMIM 614455.
Focal segmental glomerulosclerosis 5 (FSGS5). Identifiers: Orphanet 656, MedGen C2750475, MONDO:0013191, OMIM 613237.
INF2-related disorder. Also called: INF2-related condition.

Allele frequency attached by ClinVar (database versions not stated): gnomAD exomes 0.00002 and 0.00003; ExAC 0.00003; TOPMed 0.00004; gnomAD 0.00005.

Submissions (4):

Labcorp Genetics (formerly Invitae), Labcorp
Classification: Uncertain significance for Charcot-Marie-Tooth disease dominant intermediate E; Focal segmental glomerulosclerosis 5. Last evaluated: 2026-01-07. Review status: criteria provided, single submitter. Criteria: Invitae Variant Classification Sherloc (09022015). Collection method: clinical testing. Allele origin: germline.
Comment: This sequence change falls in intron 10 of the INF2 gene. It does not directly change the encoded amino acid sequence of the INF2 protein. It affects a nucleotide within the consensus splice site. This variant is present in population databases (rs777132952, gnomAD 0.006%). This variant has not been reported in the literature in individuals affected with INF2-related conditions. ClinVar contains an entry for this variant (Variation ID: 581537). Variants that disrupt the consensus splice site are a relatively common cause of aberrant splicing (PMID: 17576681, 9536098). Algorithms developed to predict the effect of sequence changes on RNA splicing suggest that this variant is not likely to affect RNA splicing. In summary, the available evidence is currently insufficient to determine the role of this variant in disease. Therefore, it has been classified as a Variant of Uncertain Significance.

PreventionGenetics, part of Exact Sciences
Classification: Uncertain significance for INF2-related condition. Last evaluated: 2025-04-11. Review status: criteria provided, single submitter. Criteria: ACMG Guidelines, 2015. Collection method: clinical testing. Allele origin: germline.
Comment: The INF2 c.1950-3C>A variant is predicted to interfere with splicing. This variant is predicted to alter splicing based on available splicing prediction programs (Alamut Visual Plus v1.6.1). However, the use of computer prediction programs is not equivalent to functional evidence. To our knowledge, this variant has not been reported in the literature. This variant is reported in 0.0055% of alleles in individuals of European (Non-Finnish) descent in gnomAD. At this time, the clinical significance of this variant is uncertain due to the absence of conclusive functional and genetic evidence.

Fulgent Genetics
Classification: Uncertain significance for Focal segmental glomerulosclerosis 5; Charcot-Marie-Tooth disease dominant intermediate E. Last evaluated: 2024-05-20. Review status: criteria provided, single submitter. Criteria: ACMG Guidelines, 2015. Collection method: clinical testing. Allele origin: germline.

Department of Pathology and Laboratory Medicine, Sinai Health System
Classification: Uncertain significance for Charcot-Marie-Tooth disease dominant intermediate E. Last evaluated: 2022-10-03. Review status: criteria provided, single submitter. Criteria: ACMG Guidelines, 2015. Collection method: research. Allele origin: germline.

Literature cited by the submitters: PubMed 17576681 (cited by Labcorp Genetics (formerly Invitae), Labcorp); PubMed 9536098 (cited by Labcorp Genetics (formerly Invitae), Labcorp).